The following is an entry in ClinVar:

NM_000506.5(F2):c.1628G>T (p.Arg543Leu)

Gene: F2 (coagulation factor II, thrombin; plus strand). Cytogenetic location: 11p11.2.
Variant type: single nucleotide variant.
Coding change: c.1628G>T on transcript NM_000506.5 (MANE Select); coding-DNA position 1628, G replaced by T.
Protein change: p.Arg543Leu; replaces arginine 543 with leucine.
Molecular consequence: missense variant.
Genome position (GRCh38, 1-based): chr11:46,729,535, G>T. VCF-style: chr11-46729535-G-T. GRCh37 (hg19) VCF-style: chr11-46751085-G-T.
Other names: p.Arg543Leu; short protein forms R543L.
Identifiers: ClinVar variation 304821 (VCV000304821.13), dbSNP rs143064939, ClinGen allele CA5967330.

ClinVar aggregate classification (germline): Conflicting classifications of pathogenicity. Review status: criteria provided, conflicting classifications (1 of 4 stars). 4 submissions from 3 submitters: Uncertain significance (1); Benign (3). Last evaluated 2026-02-03.

Conditions:
Congenital prothrombin deficiency. Also called: Factor II deficiency; Hereditary factor II deficiency disease; HYPOPROTHROMBINEMIA; Inherited hypoprothrombinemia; Congenital factor II deficiency; Inherited prothrombin deficiency. Identifiers: Orphanet 325, MedGen C0272317, MONDO:0013361, OMIM 613679.
Thrombophilia due to thrombin defect (THPH1). Also called: Prothrombin Thrombophilia; Thrombosis susceptibility; THROMBOPHILIA DUE TO FACTOR 2 DEFECT; Prothrombin-Related Thrombophilia (Factor II). Identifiers: MedGen C3160733, MONDO:0008559, OMIM 188050. Disease mechanism: gain of function, loss of function.

Allele frequency attached by ClinVar (database versions not stated): ESP Exome Variant Server 0.00038; 1000 Genomes Project 0.00120; gnomAD 0.00121; 1000 Genomes Project 30x 0.00125; TOPMed 0.00172.
gnomAD v4.1: 1,597 of 1,613,614 alleles (0.099%); highest among the groups gnomAD compares: Admixed American, 2.5%; 32 homozygotes.

Submissions (4):

Labcorp Genetics (formerly Invitae), Labcorp
Classification: Benign for Congenital prothrombin deficiency. Last evaluated: 2026-02-03. Review status: criteria provided, single submitter. Criteria: Invitae Variant Classification Sherloc (09022015). Collection method: clinical testing. Allele origin: germline.

Mayo Clinic Laboratories, Mayo Clinic
Classification: Benign. Last evaluated: 2024-01-23. Review status: criteria provided, single submitter. Criteria: ACMG Guidelines, 2015. Collection method: clinical testing. Allele origin: germline. Observed: 2 variant alleles.
Comment: BS1, BS2, PM1

Illumina Laboratory Services, Illumina
Classification: Benign for Congenital prothrombin deficiency. Last evaluated: 2018-01-12. Review status: criteria provided, single submitter. Criteria: ICSL Variant Classification Criteria 13 December 2019. Collection method: clinical testing. Allele origin: germline.
Comment: This variant was observed in the ICSL laboratory as part of a predisposition screen in an ostensibly healthy population. It had not been previously curated by ICSL or reported in the Human Gene Mutation Database (HGMD: prior to June 1st, 2018), and was therefore a candidate for classification through an automated scoring system. Utilizing variant allele frequency, disease prevalence and penetrance estimates, and inheritance mode, an automated score was calculated to assess if this variant is too frequent to cause the disease. Based on the score and internal cut-off values, a variant classified as benign is not then subjected to further curation. The score for this variant resulted in a classification of benign for this disease.

Illumina Laboratory Services, Illumina
Classification: Uncertain significance for Thrombophilia due to thrombin defect. Last evaluated: 2018-01-12. Review status: criteria provided, single submitter. Criteria: ICSL Variant Classification Criteria 13 December 2019. Collection method: clinical testing. Allele origin: germline.